The following is an entry in ClinVar:

ClinVar aggregate classification (germline): Likely pathogenic (1 of 4 stars; one submission).

Submission:

CeGaT Center for Human Genetics Tuebingen
Classification: Likely pathogenic. Last evaluated: 2026-04-01. Review status: criteria provided, single submitter. Criteria: CeGaT Center For Human Genetics Tuebingen Variant Classification Criteria Version 2. Collection method: clinical testing. Allele origin: germline. Affected: yes. Observed: 1 variant allele.
Comment: TTN: PVS1:Strong, PM2

NM_001267550.2(TTN):c.48901C>T (p.Gln16301Ter)

Genes: TTN (titin; minus strand), TTN-AS1 (TTN antisense RNA 1; plus strand), LOC126806426 (BRD4-independent group 4 enhancer GRCh37_chr2:179478848-179480047; plus strand). Cytogenetic location: 2q31.2.
Variant type: single nucleotide variant.
Coding change: c.48901C>T on transcript NM_001267550.2 (MANE Select); coding-DNA position 48901, C replaced by T.
Protein change: p.Gln16301Ter; replaces glutamine 16301 with a stop codon.
Molecular consequence: nonsense. On other transcripts: non-coding transcript variant (1).
Genome position (GRCh38, 1-based): chr2:178,614,613, G>A on the plus strand (C>T on the coding strand, the complement: TTN is on the minus strand). VCF-style: chr2-178614613-G-A. GRCh37 (hg19) VCF-style: chr2-179479340-G-A.
Other names: c.43978C>T, p.Gln14660Ter (NM_001256850.1); c.21706C>T, p.Gln7236Ter (NM_003319.4); c.41197C>T, p.Gln13733Ter (NM_133378.4); c.22081C>T, p.Gln7361Ter (NM_133432.3); c.22282C>T, p.Gln7428Ter (NM_133437.4); short protein forms Q13733*, Q14660*, Q16301*, Q7236*, Q7361*, Q7428*.
Identifiers: ClinVar variation 4874703 (VCV004874703.2).